The following is an entry in ClinVar:

NM_007194.4(CHEK2):c.1063C>G (p.Leu355Val)

Gene: CHEK2 (checkpoint kinase 2; minus strand). Cytogenetic location: 22q12.1.
Variant type: single nucleotide variant.
Coding change: c.1063C>G on transcript NM_007194.4 (MANE Select); coding-DNA position 1063, C replaced by G.
Protein change: p.Leu355Val; replaces leucine 355 with valine.
Molecular consequence: missense variant. On other transcripts: intron variant (3).
Genome position (GRCh38, 1-based): chr22:28,696,933, G>C on the plus strand (C>G on the coding strand, the complement: CHEK2 is on the minus strand). VCF-style: chr22-28696933-G-C. GRCh37 (hg19) VCF-style: chr22-29092921-G-C.
Other names: c.1102-1060C>G (NM_001438295.1); c.1138-1060C>G (NM_001438294.1); c.1192C>G, p.Leu398Val (NM_001005735.3); c.400C>G, p.Leu134Val (NM_001257387.3, NM_001437942.1); c.862C>G, p.Leu288Val (NM_001349956.3); c.1156C>G, p.Leu386Val (NM_001438293.1); c.1009-1060C>G (NM_145862.3); short protein forms L355V, L288V, L398V, L134V, L386V.
Identifiers: ClinVar variation 410042 (VCV000410042.11), dbSNP rs786201130, ClinGen allele CA16616583.

ClinVar aggregate classification (germline): Uncertain significance (1 of 4 stars; one submission).

Conditions:
Familial cancer of breast. Also called: BREAST CANCER, FAMILIAL; Hereditary breast cancer; hereditary breast carcinoma. Identifiers: Orphanet 227535, MedGen C0346153, MONDO:0016419, OMIM 114480. Disease mechanism: loss of function.

gnomAD v4.1: 5 of 1,613,262 alleles (0.00031%); highest among the groups gnomAD compares: Non-Finnish European, 0.00042%; no homozygotes.

Submission:

Labcorp Genetics (formerly Invitae), Labcorp
Classification: Uncertain significance for Familial cancer of breast. Last evaluated: 2019-01-27. Review status: criteria provided, single submitter. Criteria: Invitae Variant Classification Sherloc (09022015). Collection method: clinical testing. Allele origin: germline.
Comment: In summary, this variant is a novel missense change with uncertain impact on protein function. It has been classified as a Variant of Uncertain Significance. Algorithms developed to predict the effect of missense changes on protein structure and function do not agree on the potential impact of this missense change (SIFT: "Deleterious"; PolyPhen-2: "Probably Damaging"; Align-GVGD: "Class C0"). This variant is not present in population databases (ExAC no frequency) and has not been reported in the literature in individuals with a CHEK2-related disease. This sequence change replaces leucine with valine at codon 355 of the CHEK2 protein (p.Leu355Val). The leucine residue is highly conserved and there is a small physicochemical difference between leucine and valine.